The following is an entry in ClinVar:

ClinVar aggregate classification (germline): Uncertain significance. Review status: criteria provided, multiple submitters, no conflicts (2 of 4 stars). 2 submissions from 2 submitters: Uncertain significance (2). Last evaluated 2025-12-08.

Conditions:
Hereditary cancer-predisposing syndrome. Also called: Hereditary neoplastic syndrome; Hereditary Cancer Syndrome; Tumor predisposition; Neoplastic Syndromes, Hereditary. Identifiers: Orphanet 140162, MedGen C0027672, MeSH D009386, MONDO:0015356.
Familial cancer of breast. Also called: hereditary breast carcinoma; BREAST CANCER, FAMILIAL; Hereditary breast cancer. Identifiers: Orphanet 227535, MedGen C0346153, MONDO:0016419, OMIM 114480. Disease mechanism: loss of function.

Submissions (2):

Labcorp Genetics (formerly Invitae), Labcorp
Classification: Uncertain significance for Familial cancer of breast. Last evaluated: 2025-12-08. Review status: criteria provided, single submitter. Criteria: Invitae Variant Classification Sherloc (09022015). Collection method: clinical testing. Allele origin: germline.
Comment: This sequence change replaces glutamine, which is neutral and polar, with arginine, which is basic and polar, at codon 358 of the CHEK2 protein (p.Gln358Arg). This variant is not present in population databases (gnomAD no frequency). This variant has not been reported in the literature in individuals affected with CHEK2-related conditions. ClinVar contains an entry for this variant (Variation ID: 1523181). An algorithm developed to predict the effect of missense changes on protein structure and function (PolyPhen-2) suggests that this variant is likely to be tolerated. In summary, the available evidence is currently insufficient to determine the role of this variant in disease. Therefore, it has been classified as a Variant of Uncertain Significance.

Ambry Genetics
Classification: Uncertain significance for Hereditary cancer-predisposing syndrome. Last evaluated: 2024-11-03. Review status: criteria provided, single submitter. Criteria: Ambry Variant Classification Scheme 2023. Collection method: clinical testing. Allele origin: germline.
Comment: The p.Q358R variant (also known as c.1073A>G), located in coding exon 9 of the CHEK2 gene, results from an A to G substitution at nucleotide position 1073. The glutamine at codon 358 is replaced by arginine, an amino acid with highly similar properties. This amino acid position is conserved. In addition, this alteration is predicted to be tolerated by in silico analysis. Based on the available evidence, the clinical significance of this variant remains unclear.

NM_007194.4(CHEK2):c.1073A>G (p.Gln358Arg)

Gene: CHEK2 (checkpoint kinase 2; minus strand). Cytogenetic location: 22q12.1.
Variant type: single nucleotide variant.
Coding change: c.1073A>G on transcript NM_007194.4 (MANE Select); coding-DNA position 1073, A replaced by G.
Protein change: p.Gln358Arg; replaces glutamine 358 with arginine.
Molecular consequence: missense variant. On other transcripts: intron variant (3).
Genome position (GRCh38, 1-based): chr22:28,696,923, T>C on the plus strand (A>G on the coding strand, the complement: CHEK2 is on the minus strand). VCF-style: chr22-28696923-T-C. GRCh37 (hg19) VCF-style: chr22-29092911-T-C.
Other names: c.1202A>G, p.Gln401Arg (NM_001005735.3); c.410A>G, p.Gln137Arg (NM_001257387.3, NM_001437942.1); c.872A>G, p.Gln291Arg (NM_001349956.3); c.1166A>G, p.Gln389Arg (NM_001438293.1); c.1009-1050A>G (NM_145862.3); c.1102-1050A>G (NM_001438295.1); c.1138-1050A>G (NM_001438294.1); short protein forms Q137R, Q358R, Q291R, Q401R, Q389R.
Identifiers: ClinVar variation 1523181 (VCV001523181.10), dbSNP rs2145816153, ClinGen allele CA411097556.